The following is an entry in ClinVar:

ClinVar aggregate classification (germline): Uncertain significance. Review status: criteria provided, single submitter (1 of 4 stars). 2 submissions from 2 submitters: Uncertain significance (1). 1 of the submissions does not count toward it. Last evaluated 2025-07-10.

Conditions:
MYO5A-related disorder. Also called: MYO5A-related condition.

Allele frequency attached by ClinVar (database versions not stated): gnomAD exomes 0.00002 and 0.00004; ExAC 0.00004; gnomAD 0.00019 and 0.00020; 1000 Genomes Project 0.00040; 1000 Genomes Project 30x 0.00047; TOPMed 0.00051.
gnomAD v4.1: 69 of 1,613,596 alleles (0.0043%); highest among the groups gnomAD compares: Middle Eastern, 0.12%; 1 homozygote.

Submissions (2):

Labcorp Genetics (formerly Invitae), Labcorp
Classification: Uncertain significance. Last evaluated: 2025-07-10. Review status: criteria provided, single submitter. Criteria: Invitae Variant Classification Sherloc (09022015). Collection method: clinical testing. Allele origin: germline.
Comment: This sequence change falls in intron 26 of the MYO5A gene. It does not directly change the encoded amino acid sequence of the MYO5A protein. It affects a nucleotide within the consensus splice site. This variant is present in population databases (rs186277072, gnomAD 0.01%). This variant has not been reported in the literature in individuals affected with MYO5A-related conditions. ClinVar contains an entry for this variant (Variation ID: 1444526). Variants that disrupt the consensus splice site are a relatively common cause of aberrant splicing (PMID: 17576681, 9536098). Algorithms developed to predict the effect of sequence changes on RNA splicing suggest that this variant is not likely to affect RNA splicing. In summary, the available evidence is currently insufficient to determine the role of this variant in disease. Therefore, it has been classified as a Variant of Uncertain Significance.

PreventionGenetics, part of Exact Sciences
Classification: Likely benign for MYO5A-related condition. Last evaluated: 2023-10-03. Review status: no assertion criteria provided. Collection method: clinical testing. Allele origin: germline. Not counted in ClinVar's aggregate classification.
Comment: This variant is classified as likely benign based on ACMG/AMP sequence variant interpretation guidelines (Richards et al. 2015 PMID: 25741868, with internal and published modifications).

Literature cited by the submitters: PubMed 17576681 (cited by Labcorp Genetics (formerly Invitae), Labcorp); PubMed 9536098 (cited by Labcorp Genetics (formerly Invitae), Labcorp).

NM_001382347.1(MYO5A):c.3567+4C>T

Gene: MYO5A (myosin VA; minus strand). Cytogenetic location: 15q21.2.
Variant type: single nucleotide variant.
Coding change: c.3567+4C>T on transcript NM_001382347.1 (MANE Select); 4 bases into the intron after coding-DNA position 3567, C replaced by T.
Molecular consequence: intron variant.
Genome position (GRCh38, 1-based): chr15:52,353,867, G>A on the plus strand (C>T on the coding strand, the complement: MYO5A is on the minus strand). VCF-style: chr15-52353867-G-A. GRCh37 (hg19) VCF-style: chr15-52646064-G-A.
Other names: c.3567+4C>T (NM_000259.3, NM_001142495.2); c.3639+4C>T (NM_001382349.1, NM_001382348.1).
Identifiers: ClinVar variation 1444526 (VCV001444526.6), dbSNP rs186277072, ClinGen allele CA7568399.